The following is an entry in ClinVar:

ClinVar aggregate classification (germline): Benign/Likely benign. Review status: criteria provided, multiple submitters, no conflicts (2 of 4 stars). 10 submissions from 6 submitters: Benign (7); Likely benign (3). Last evaluated 2026-01-04.

Conditions:
Congenital myasthenic syndrome 16. Identifiers: Orphanet 590, MedGen C3280112, MONDO:0013620, OMIM 614198.
Paramyotonia congenita of Von Eulenburg. Also called: Paramyotonia Congenita; PARALYSIS PERIODICA PARAMYOTONICA; Eulenburg disease; Myotonia congenita intermittens; Von Eulenburg paramyotonia congenita. Identifiers: Orphanet 684, MedGen C0221055, MONDO:0008195, OMIM 168300. Disease mechanism: loss of function.
Potassium-aggravated myotonia. Also called: Myotonia congenita, atypical, acetazolamide-responsive; MYOTONIA CONGENITA, ACETAZOLAMIDE-RESPONSIVE; MYOTONIA CONGENITA, ATYPICAL; SODIUM CHANNEL MUSCLE DISEASE. Identifiers: Orphanet 612, Orphanet 99734, Orphanet 99735, Orphanet 99736, MedGen C2931826, MONDO:0018959, OMIM 608390.
Hypokalemic periodic paralysis, type 2 (HOKPP2). Identifiers: Orphanet 681, MedGen C2750061, MONDO:0013234, OMIM 613345.
Hyperkalemic periodic paralysis. Also called: Familial hyperkalemic periodic paralysis; Gamstorp disease. Identifiers: Orphanet 682, MedGen C0238357, MONDO:0008224, OMIM 170500, HP:0007215.

Allele frequency attached by ClinVar (database versions not stated): TOPMed 0.00381; 1000 Genomes Project 0.00519; gnomAD 0.00354 and 0.00367; ESP Exome Variant Server 0.00310; 1000 Genomes Project 30x 0.00500.
gnomAD v4.1: 1,086 of 1,612,446 alleles (0.067%); highest among the groups gnomAD compares: African/African-American, 1.3%; 9 homozygotes.

Submissions (10):

Labcorp Genetics (formerly Invitae), Labcorp
Classification: Benign for Hyperkalemic periodic paralysis. Last evaluated: 2026-01-04. Review status: criteria provided, single submitter. Criteria: Invitae Variant Classification Sherloc (09022015). Collection method: clinical testing. Allele origin: germline.

CeGaT Center for Human Genetics Tuebingen
Classification: Likely benign. Last evaluated: 2025-11-01. Review status: criteria provided, single submitter. Criteria: CeGaT Center For Human Genetics Tuebingen Variant Classification Criteria Version 2. Collection method: clinical testing. Allele origin: germline. Affected: yes. Observed: 1 variant allele.
Comment: SCN4A: BP4, BS1

Athena Diagnostics
Classification: Benign. Last evaluated: 2019-05-01. Review status: criteria provided, single submitter. Criteria: Athena Diagnostics Criteria. Collection method: clinical testing. Allele origin: germline.

Illumina Laboratory Services, Illumina
Classification: Benign for Potassium-aggravated myotonia. Last evaluated: 2018-01-12. Review status: criteria provided, single submitter. Criteria: ICSL Variant Classification Criteria 13 December 2019. Collection method: clinical testing. Allele origin: germline.
Comment: This variant was observed in the ICSL laboratory as part of a predisposition screen in an ostensibly healthy population. It had not been previously curated by ICSL or reported in the Human Gene Mutation Database (HGMD: prior to June 1st, 2018), and was therefore a candidate for classification through an automated scoring system. Utilizing variant allele frequency, disease prevalence and penetrance estimates, and inheritance mode, an automated score was calculated to assess if this variant is too frequent to cause the disease. Based on the score and internal cut-off values, a variant classified as benign is not then subjected to further curation. The score for this variant resulted in a classification of benign for this disease.

Illumina Laboratory Services, Illumina
Classification: Benign for Hyperkalemic periodic paralysis. Last evaluated: 2018-01-12. Review status: criteria provided, single submitter. Criteria: ICSL Variant Classification Criteria 13 December 2019. Collection method: clinical testing. Allele origin: germline.
Comment: the same text as in the submission from Illumina Laboratory Services, Illumina above.

Illumina Laboratory Services, Illumina
Classification: Benign for Hypokalemic periodic paralysis, type 2. Last evaluated: 2018-01-12. Review status: criteria provided, single submitter. Criteria: ICSL Variant Classification Criteria 13 December 2019. Collection method: clinical testing. Allele origin: germline.
Comment: the same text as in the submission from Illumina Laboratory Services, Illumina above.

Illumina Laboratory Services, Illumina
Classification: Likely benign for Congenital myasthenic syndrome 16. Last evaluated: 2018-01-12. Review status: criteria provided, single submitter. Criteria: ICSL Variant Classification Criteria 13 December 2019. Collection method: clinical testing. Allele origin: germline.
Comment: This variant was observed in the ICSL laboratory as part of a predisposition screen in an ostensibly healthy population. It had not been previously curated by ICSL or reported in the Human Gene Mutation Database (HGMD: prior to June 1st, 2018), and was therefore a candidate for classification through an automated scoring system. Utilizing variant allele frequency, disease prevalence and penetrance estimates, and inheritance mode, an automated score was calculated to assess if this variant is too frequent to cause the disease. Based on the score and internal cut-off values, a variant classified as likely benign is not then subjected to further curation. The score for this variant resulted in a classification of likely benign for this disease.

Illumina Laboratory Services, Illumina
Classification: Benign for Paramyotonia congenita of Von Eulenburg. Last evaluated: 2018-01-12. Review status: criteria provided, single submitter. Criteria: ICSL Variant Classification Criteria 13 December 2019. Collection method: clinical testing. Allele origin: germline.
Comment: the same text as in the submission from Illumina Laboratory Services, Illumina above.

GeneDx
Classification: Benign. Last evaluated: 2016-11-01. Review status: criteria provided, single submitter. Criteria: GeneDx Variant Classification (06012015). Collection method: clinical testing. Allele origin: germline. Affected: yes.
Comment: This variant is considered likely benign or benign based on one or more of the following criteria: it is a conservative change, it occurs at a poorly conserved position in the protein, it is predicted to be benign by multiple in silico algorithms, and/or has population frequency not consistent with disease.

Breakthrough Genomics
Classification: Likely benign. Review status: criteria provided, single submitter. Criteria: ACMG Guidelines, 2015. Collection method: not provided. Allele origin: germline. Inheritance: Autosomal recessive inheritance. Affected: yes.

NM_000334.4(SCN4A):c.2645C>A (p.Pro882Gln)

Genes: GH-LCR (growth hormone locus control region; plus strand), SCN4A (sodium voltage-gated channel alpha subunit 4; minus strand). Cytogenetic location: 17q23.3.
Variant type: single nucleotide variant.
Coding change: c.2645C>A on transcript NM_000334.4 (MANE Select); coding-DNA position 2645, C replaced by A.
Protein change: p.Pro882Gln; replaces proline 882 with glutamine.
Molecular consequence: missense variant.
Genome position (GRCh38, 1-based): chr17:63,951,632, G>T on the plus strand (C>A on the coding strand, the complement: SCN4A is on the minus strand). VCF-style: chr17-63951632-G-T. GRCh37 (hg19) VCF-style: chr17-62028992-G-T.
Other names: short protein forms P882Q.
Identifiers: ClinVar variation 324529 (VCV000324529.25), dbSNP rs111858905, ClinGen allele CA8709538.